The following is an entry in ClinVar:

NM_003924.4(PHOX2B):c.328C>A (p.Leu110Ile)

Gene: PHOX2B (paired like homeobox 2B; minus strand). Cytogenetic location: 4p13.
Variant type: single nucleotide variant.
Coding change: c.328C>A on transcript NM_003924.4 (MANE Select); coding-DNA position 328, C replaced by A.
Protein change: p.Leu110Ile; replaces leucine 110 with isoleucine.
Molecular consequence: missense variant.
Genome position (GRCh38, 1-based): chr4:41,747,450, G>T on the plus strand (C>A on the coding strand, the complement: PHOX2B is on the minus strand). VCF-style: chr4-41747450-G-T. GRCh37 (hg19) VCF-style: chr4-41749467-G-T.
Other names: short protein forms L110I.
Identifiers: ClinVar variation 5026614 (VCV005026614.1).

ClinVar aggregate classification (germline): Uncertain significance (1 of 4 stars; one submission).

Conditions:
Hereditary cancer-predisposing syndrome. Also called: Neoplastic Syndromes, Hereditary; Tumor predisposition; Hereditary neoplastic syndrome; Hereditary Cancer Syndrome. Identifiers: Orphanet 140162, MedGen C0027672, MeSH D009386, MONDO:0015356.

Submission:

Ambry Genetics
Classification: Uncertain significance for Hereditary cancer-predisposing syndrome. Last evaluated: 2026-07-07. Review status: criteria provided, single submitter. Criteria: Ambry Variant Classification Scheme 2023. Collection method: clinical testing. Allele origin: germline.
Comment: The p.L110I variant (also known as c.328C>A), located in coding exon 2 of the PHOX2B gene, results from a C to A substitution at nucleotide position 328. The leucine at codon 110 is replaced by isoleucine, an amino acid with highly similar properties. This amino acid position is conserved. In addition, this alteration is predicted to be deleterious by in silico analysis. Based on the available evidence, the clinical significance of this variant remains unclear.